The following is an entry in ClinVar:

NM_152783.5(D2HGDH):c.549A>T (p.Glu183Asp)

Gene: D2HGDH (D-2-hydroxyglutarate dehydrogenase; plus strand). Cytogenetic location: 2q37.3.
Variant type: single nucleotide variant.
Coding change: c.549A>T on transcript NM_152783.5 (MANE Select); coding-DNA position 549, A replaced by T.
Protein change: p.Glu183Asp; replaces glutamic acid 183 with aspartic acid.
Molecular consequence: missense variant. On other transcripts: 5 prime UTR variant (1), non-coding transcript variant (1).
Genome position (GRCh38, 1-based): chr2:241,743,680, A>T. VCF-style: chr2-241743680-A-T. GRCh37 (hg19) VCF-style: chr2-242683095-A-T.
Other names: c.147A>T, p.Glu49Asp (NM_001287249.2); c.-13A>T (NM_001352824.2); c.549A>T (NM_152783.3); short protein forms E183D, E49D.
Identifiers: ClinVar variation 1015674 (VCV001015674.11), dbSNP rs758354618, ClinGen allele CA2221706.

ClinVar aggregate classification (germline): Uncertain significance. Review status: criteria provided, multiple submitters, no conflicts (2 of 4 stars). 3 submissions from 3 submitters: Uncertain significance (3). Last evaluated 2025-05-14.

Conditions:
Inborn genetic diseases. Identifiers: MedGen C0950123, MeSH D030342.
D-2-hydroxyglutaric aciduria 1 (D2HGA1). Identifiers: Orphanet 79315, MedGen C3152055, MONDO:0024554, OMIM 600721.

Allele frequency attached by ClinVar (database versions not stated): gnomAD exomes below 0.00001; TOPMed below 0.00001; ExAC 0.00001.
gnomAD v4.1: 6 of 1,614,008 alleles (0.00037%); highest among the groups gnomAD compares: Non-Finnish European, 0.00051%; no homozygotes.

Submissions (3):

Ambry Genetics
Classification: Uncertain significance for Inborn genetic diseases. Last evaluated: 2025-05-14. Review status: criteria provided, single submitter. Criteria: Ambry Variant Classification Scheme 2023. Collection method: clinical testing. Allele origin: germline.

GeneDx
Classification: Uncertain significance. Last evaluated: 2023-08-14. Review status: criteria provided, single submitter. Criteria: GeneDx Variant Classification Process June 2021. Collection method: clinical testing. Allele origin: germline. Affected: yes.
Comment: Not observed at significant frequency in large population cohorts (gnomAD); In silico analysis supports that this missense variant does not alter protein structure/function; Has not been previously published as pathogenic or benign to our knowledge

Labcorp Genetics (formerly Invitae), Labcorp
Classification: Uncertain significance for D-2-hydroxyglutaric aciduria 1. Last evaluated: 2023-01-19. Review status: criteria provided, single submitter. Criteria: Invitae Variant Classification Sherloc (09022015). Collection method: clinical testing. Allele origin: germline.
Comment: ClinVar contains an entry for this variant (Variation ID: 1015674). This sequence change replaces glutamic acid, which is acidic and polar, with aspartic acid, which is acidic and polar, at codon 183 of the D2HGDH protein (p.Glu183Asp). This variant is present in population databases (rs758354618, gnomAD 0.0009%). This variant has not been reported in the literature in individuals affected with D2HGDH-related conditions. Advanced modeling of protein sequence and biophysical properties (such as structural, functional, and spatial information, amino acid conservation, physicochemical variation, residue mobility, and thermodynamic stability) performed at Invitae indicates that this missense variant is not expected to disrupt D2HGDH protein function. In summary, the available evidence is currently insufficient to determine the role of this variant in disease. Therefore, it has been classified as a Variant of Uncertain Significance.